The following is an entry in ClinVar:

ClinVar aggregate classification (germline): Likely benign (1 of 4 stars; one submission).

Allele frequency attached by ClinVar (database versions not stated): gnomAD exomes 0.00001; TOPMed 0.00007; gnomAD 0.00008.
gnomAD v4.1: 24 of 1,610,702 alleles (0.0015%); highest among the groups gnomAD compares: Admixed American, 0.023%; no homozygotes.

Submission:

CeGaT Center for Human Genetics Tuebingen
Classification: Likely benign. Last evaluated: 2022-11-01. Review status: criteria provided, single submitter. Criteria: CeGaT Center For Human Genetics Tuebingen Variant Classification Criteria Version 2. Collection method: clinical testing. Allele origin: germline. Affected: yes. Observed: 1 variant allele.
Comment: PKD1: BP4, BP7

NM_001009944.3(PKD1):c.9597C>T (p.His3199=)

Gene: PKD1 (polycystin 1, transient receptor potential channel interacting; minus strand). Cytogenetic location: 16p13.3.
Variant type: single nucleotide variant.
Coding change: c.9597C>T on transcript NM_001009944.3 (MANE Select); coding-DNA position 9597, C replaced by T.
Protein change: p.His3199=; no amino-acid change (histidine 3199 retained).
Molecular consequence: synonymous variant.
Genome position (GRCh38, 1-based): chr16:2,100,281, G>A on the plus strand (C>T on the coding strand, the complement: PKD1 is on the minus strand). VCF-style: chr16-2100281-G-A. GRCh37 (hg19) VCF-style: chr16-2150282-G-A.
Other names: c.9597C>T, p.His3199= (NM_000296.4).
Identifiers: ClinVar variation 2645992 (VCV002645992.24), dbSNP rs1415765353, ClinGen allele CA493045758.